The following is an entry in ClinVar:

ClinVar aggregate classification (germline): Benign/Likely benign. Review status: criteria provided, multiple submitters, no conflicts (2 of 4 stars). 3 submissions from 3 submitters: Benign (1); Likely benign (1). 1 of the submissions does not count toward it. Last evaluated 2025-11-25.

Conditions:
RIMS1-related disorder. Also called: RIMS1-related condition.

Allele frequency attached by ClinVar (database versions not stated): ESP Exome Variant Server 0.00025; gnomAD 0.00032 and 0.00033; TOPMed 0.00034; 1000 Genomes Project 30x 0.00094; 1000 Genomes Project 0.00100.
gnomAD v4.1: 122 of 1,571,258 alleles (0.0078%); highest among the groups gnomAD compares: African/African-American, 0.13%; no homozygotes.

Submissions (3):

Labcorp Genetics (formerly Invitae), Labcorp
Classification: Benign. Last evaluated: 2025-11-25. Review status: criteria provided, single submitter. Criteria: Invitae Variant Classification Sherloc (09022015). Collection method: clinical testing. Allele origin: germline.

Blueprint Genetics
Classification: Likely benign. Last evaluated: 2024-03-05. Review status: criteria provided, single submitter. Criteria: ACMG Guidelines, 2015. Collection method: clinical testing. Allele origin: germline.

PreventionGenetics, part of Exact Sciences
Classification: Likely benign for RIMS1-related condition. Last evaluated: 2019-02-18. Review status: no assertion criteria provided. Collection method: clinical testing. Allele origin: germline. Not counted in ClinVar's aggregate classification.
Comment: This variant is classified as likely benign based on ACMG/AMP sequence variant interpretation guidelines (Richards et al. 2015 PMID: 25741868, with internal and published modifications).

NM_014989.7(RIMS1):c.3117-7G>A

Gene: RIMS1 (regulating synaptic membrane exocytosis 1; plus strand). Cytogenetic location: 6q13.
Variant type: single nucleotide variant.
Coding change: c.3117-7G>A on transcript NM_014989.7 (MANE Select); 7 bases into the intron before coding-DNA position 3117, G replaced by A.
Molecular consequence: intron variant.
Genome position (GRCh38, 1-based): chr6:72,264,968, G>A. VCF-style: chr6-72264968-G-A. GRCh37 (hg19) VCF-style: chr6-72974671-G-A.
Other names: c.3117-7G>A (NM_014989.5); c.1470-992G>A (NM_001350428.2, NM_001350459.2, NM_001350424.2 and 1 more transcripts); c.1467-992G>A (NM_001350437.2, NM_001350430.2, NM_001350421.2 and 1 more transcripts); c.1539-7G>A (NM_001350458.2); c.1539-992G>A (NM_001350433.2, NM_001350446.2, NM_001350442.2 and 8 more transcripts); c.1538+4201G>A (NM_001350431.2); c.1476-992G>A (NM_001350457.2); c.1475+5857G>A (NM_001350460.2, NM_001350426.2, NM_001350429.2 and 1 more transcripts); and 14 more.
Identifiers: ClinVar variation 1533350 (VCV001533350.11), dbSNP rs202107254, ClinGen allele CA3886146.